The following is an entry in ClinVar:

ClinVar aggregate classification (germline): Uncertain significance (1 of 4 stars; one submission).

Submission:

GeneDx
Classification: Uncertain significance. Last evaluated: 2023-05-03. Review status: criteria provided, single submitter. Criteria: GeneDx Variant Classification Process June 2021. Collection method: clinical testing. Allele origin: germline. Affected: yes.
Comment: Not observed at significant frequency in large population cohorts (gnomAD); In silico analysis supports that this missense variant has a deleterious effect on protein structure/function; Has not been previously published as pathogenic or benign to our knowledge

NM_001386298.1(CIC):c.6845C>T (p.Ser2282Phe)

Gene: CIC (capicua transcriptional repressor; plus strand). Cytogenetic location: 19q13.2.
Variant type: single nucleotide variant.
Coding change: c.6845C>T on transcript NM_001386298.1 (MANE Select); coding-DNA position 6845, C replaced by T.
Protein change: p.Ser2282Phe; replaces serine 2282 with phenylalanine.
Molecular consequence: missense variant.
Genome position (GRCh38, 1-based): chr19:42,294,012, C>T. VCF-style: chr19-42294012-C-T. GRCh37 (hg19) VCF-style: chr19-42798164-C-T.
Other names: c.6845C>T, p.Ser2282Phe (NM_001304815.2); c.6842C>T, p.Ser2281Phe (NM_001379480.1, NM_001379482.1, NM_001379483.1); c.4118C>T, p.Ser1373Phe (NM_001379484.1, NM_015125.5); c.4115C>T, p.Ser1372Phe (NM_001379485.1); short protein forms S1372F, S1373F, S2281F, S2282F.
Identifiers: ClinVar variation 2663405 (VCV002663405.1), dbSNP rs2514075565, ClinGen allele CA406120897.